The following is an entry in ClinVar:

ClinVar aggregate classification (germline): Uncertain significance (1 of 4 stars; one submission).

Submission:

Labcorp Genetics (formerly Invitae), Labcorp
Classification: Uncertain significance. Last evaluated: 2025-11-05. Review status: criteria provided, single submitter. Criteria: Invitae Variant Classification Sherloc (09022015). Collection method: clinical testing. Allele origin: germline.
Comment: This sequence change replaces leucine, which is neutral and non-polar, with arginine, which is basic and polar, at codon 204 of the TWNK protein (p.Leu204Arg). This variant is present in population databases (no rsID available, gnomAD 0.0009%). This variant has not been reported in the literature in individuals affected with TWNK-related conditions. ClinVar contains an entry for this variant (Variation ID: 3612153). Invitae Evidence Modeling of protein sequence and biophysical properties (such as structural, functional, and spatial information, amino acid conservation, physicochemical variation, residue mobility, and thermodynamic stability) indicates that this missense variant is expected to disrupt TWNK protein function with a positive predictive value of 95%. In summary, the available evidence is currently insufficient to determine the role of this variant in disease. Therefore, it has been classified as a Variant of Uncertain Significance.

NM_021830.5(TWNK):c.611T>G (p.Leu204Arg)

Gene: TWNK (twinkle mtDNA helicase; plus strand). Cytogenetic location: 10q24.31.
Variant type: single nucleotide variant.
Coding change: c.611T>G on transcript NM_021830.5 (MANE Select); coding-DNA position 611, T replaced by G.
Protein change: p.Leu204Arg; replaces leucine 204 with arginine.
Molecular consequence: missense variant. On other transcripts: non-coding transcript variant (4), intron variant (3).
Genome position (GRCh38, 1-based): chr10:100,988,821, T>G. VCF-style: chr10-100988821-T-G. GRCh37 (hg19) VCF-style: chr10-102748578-T-G.
Other names: c.611T>G, p.Leu204Arg (NM_001163812.2); c.-119-823T>G (NM_001163814.2, NM_001163813.2); c.-57-885T>G (NM_001368275.1); short protein forms L204R.
Identifiers: ClinVar variation 3612153 (VCV003612153.2), dbSNP rs863223918.